The following is an entry in ClinVar:

NM_000256.3(MYBPC3):c.139_140insTG (p.Ser47fs)

Gene: MYBPC3 (myosin binding protein C3; minus strand). Cytogenetic location: 11p11.2.
Variant type: Insertion.
Coding change: c.139_140insTG on transcript NM_000256.3 (MANE Select); coding-DNA positions 139 to 140, TG inserted.
Protein change: p.Ser47fs; shifts the reading frame from serine 47.
Molecular consequence: frameshift variant.
Genome position: GRCh38 VCF-style: chr11-47351391-C-CCA. GRCh37 (hg19) VCF-style: chr11-47372942-C-CCA.
Other names: short protein forms S47fs.
Identifiers: ClinVar variation 3075924 (VCV003075924.1), dbSNP rs1565631856, ClinGen allele CA599374261.

ClinVar aggregate classification (germline): Likely pathogenic (1 of 4 stars; one submission).

Conditions:
Hypertrophic cardiomyopathy. Also called: HYPERTROPHIC MYOCARDIOPATHY. Identifiers: Orphanet 217569, MedGen C0007194, MeSH D002312, MONDO:0005045, HP:0001639.

Allele frequency attached by ClinVar (database versions not stated): gnomAD exomes below 0.00001.

Submission:

Laboratory for Molecular Medicine, Mass General Brigham Personalized Medicine
Classification: Likely pathogenic for Hypertrophic cardiomyopathy. Last evaluated: 2023-02-02. Review status: criteria provided, single submitter. Criteria: ACMG Guidelines, 2015. Collection method: clinical testing. Allele origin: germline.
Comment: The p.Ser47MetfsX21 variant in MYBPC3 has not been reported in individuals with hypertrophic cardiomyopathy and was absent from large population databases. This variant is predicted to cause a frameshift, which alters the protein’s amino acid sequence beginning at position 47 and leads to a premature termination codon 21 amino acids downstream. Loss of function variants in the MYBPC3 is an established disease mechanism in autosomal dominant hypertrophic cardiomyopathy. In summary, although additional studies are required to fully establish its clinical significance, this variant meets criteria to be classified as likely pathogenic for autosomal dominant hypertrophic cardiomyopathy. ACMG/AMP criteria applied: PVS1, PM2_Supporting.